The following is an entry in ClinVar:

NM_020987.5(ANK3):c.5351C>A (p.Ala1784Glu)

Gene: ANK3 (ankyrin 3; minus strand). Cytogenetic location: 10q21.2.
Variant type: single nucleotide variant.
Coding change: c.5351C>A on transcript NM_020987.5 (MANE Select); coding-DNA position 5351, C replaced by A.
Protein change: p.Ala1784Glu; replaces alanine 1784 with glutamic acid.
Molecular consequence: missense variant. On other transcripts: intron variant (4).
Genome position (GRCh38, 1-based): chr10:60,075,530, G>T on the plus strand (C>A on the coding strand, the complement: ANK3 is on the minus strand). VCF-style: chr10-60075530-G-T. GRCh37 (hg19) VCF-style: chr10-61835288-G-T.
Other names: c.4387+5007C>A (NM_001204403.2); c.4408+5007C>A (NM_001204404.2); c.4405+5007C>A (NM_001320874.2); c.1807+5007C>A (NM_001149.4); short protein forms A1784E.
Identifiers: ClinVar variation 1368386 (VCV001368386.8), dbSNP rs2083591447, ClinGen allele CA377015721.

ClinVar aggregate classification (germline): Uncertain significance (1 of 4 stars; one submission).

Submission:

Labcorp Genetics (formerly Invitae), Labcorp
Classification: Uncertain significance. Last evaluated: 2024-02-05. Review status: criteria provided, single submitter. Criteria: Invitae Variant Classification Sherloc (09022015). Collection method: clinical testing. Allele origin: germline.
Comment: This sequence change replaces alanine, which is neutral and non-polar, with glutamic acid, which is acidic and polar, at codon 1784 of the ANK3 protein (p.Ala1784Glu). This variant is not present in population databases (gnomAD no frequency). This variant has not been reported in the literature in individuals affected with ANK3-related conditions. ClinVar contains an entry for this variant (Variation ID: 1368386). Advanced modeling of protein sequence and biophysical properties (such as structural, functional, and spatial information, amino acid conservation, physicochemical variation, residue mobility, and thermodynamic stability) performed at Invitae indicates that this missense variant is not expected to disrupt ANK3 protein function with a negative predictive value of 80%. In summary, the available evidence is currently insufficient to determine the role of this variant in disease. Therefore, it has been classified as a Variant of Uncertain Significance.